The following continues an entry in ClinVar:

NM_000089.4(COL1A2):c.2314G>A (p.Gly772Ser)

Gene: COL1A2. ClinVar aggregate classification (germline): Pathogenic/Likely pathogenic. Pathogenic (10); Likely pathogenic (2).

Submissions 11 to 12 of 12:

ARUP Laboratories, Molecular Genetics and Genomics, ARUP Laboratories
Classification: Pathogenic. Last evaluated: 2019-11-08. Review status: criteria provided, single submitter. Criteria: ARUP Molecular Germline Variant Investigation Process. Collection method: clinical testing. Allele origin: germline.
Comment: The COL1A2 c.2314G>A; p.Gly772Ser variant (rs72658185), also known as p.Gly682Ser in alternative nomenclature, is reported in the literature in multiple individuals affected with osteogenesis imperfecta (Balasubramanian 2016, Marini 2007, Mrosk 2018, Nuytinck 2017). In at least one affected individual, the variant was absent from both parents, suggesting a de novo origin (Nuytinck 1997). This variant is absent from general population databases (Exome Variant Server, Genome Aggregation Database), indicating it is not a common polymorphism. The glycine at codon 772 is highly conserved, and this variant disrupts the repeating Gly-X-Y sequence motif of the collagen triple helix and is predicted to impair collagen function (Ben Amor 2011). Based on available information, this variant is considered to be pathogenic. References: Balasubramanian M et al. Copy number variants in association with type 1 collagenopathy: Atypical osteogenesis imperfecta. Am J Med Genet A. 2016 Feb;170A(2):476-481. Ben Amor I et al. Genotype-phenotype correlations in autosomal dominant osteogenesis imperfecta. J Osteoporos. 2011; 2011:540178. Marini JC et al. Consortium for osteogenesis imperfecta mutations in the helical domain of type I collagen: regions rich in lethal mutations align with collagen binding sites for integrins and proteoglycans. Hum Mutat. 2007 Mar;28(3):209-21. Mrosk J et al. Diagnostic strategies and genotype-phenotype correlation in a large Indian cohort of osteogenesis imperfecta. Bone. 2018 May;110:368-377. Nuytinck L et al. Osteogenesis imperfecta phenotypes resulting from serine for glycine substitutions in the alpha2(I) collagen chain. Eur J Hum Genet. 1997 May-Jun;5(3):161-7.

3billion
Classification: Pathogenic for Osteogenesis imperfecta with normal sclerae, dominant form. Review status: criteria provided, single submitter. Criteria: ACMG Guidelines, 2015. Collection method: clinical testing. Allele origin: unknown. Affected: yes. Observed: 1 heterozygote.
Comment: The variant is not observed in the gnomAD v2.1.1 dataset. Missense changes are a common disease-causing mechanism. In silico tool predictions suggest damaging effect of the variant on gene or gene product (REVEL: 0.92; 3Cnet: 1.00). Same nucleotide change resulting in same amino acid change has been previously reported as pathogenic/likely pathogenic with strong evidence (ClinVar ID: VCV000420022 / PMID: 9272740). Different missense change at the same codon (p.Gly772Arg, p.Gly772Cys) have been reported as pathogenic/likely pathogenic with strong evidence (ClinVar ID: VCV001468991, VCV001701996). Therefore, this variant is classified as Pathogenic according to the recommendation of ACMG/AMP guideline.

Literature cited by the submitters: PubMed 9272740 (cited by Labcorp Genetics (formerly Invitae), Labcorp and 3billion); PubMed 17078022 (cited by Labcorp Genetics (formerly Invitae), Labcorp); PubMed 23934635 (cited by 3 submitters); PubMed 26471105 (cited by Labcorp Genetics (formerly Invitae), Labcorp and Dasa); PubMed 31429852 (cited by Dasa and Victorian Clinical Genetics Services, Murdoch Childrens Research Institute); PubMed 32166892 (cited by Dasa); PubMed 31447884 (cited by Dasa and Victorian Clinical Genetics Services, Murdoch Childrens Research Institute); PubMed 32123938 (cited by Dasa); PubMed 12362985 (cited by Victorian Clinical Genetics Services, Murdoch Childrens Research Institute); PubMed 20301472 (cited by Victorian Clinical Genetics Services, Murdoch Childrens Research Institute); PubMed 31218159 (cited by Victorian Clinical Genetics Services, Murdoch Childrens Research Institute); PubMed 33939306 (cited by Victorian Clinical Genetics Services, Murdoch Childrens Research Institute).